The following is an entry in ClinVar:

NM_001384140.1(PCDH15):c.3769C>T (p.Pro1257Ser)

Gene: PCDH15 (protocadherin related 15; minus strand). Cytogenetic location: 10q21.1.
Variant type: single nucleotide variant.
Coding change: c.3769C>T on transcript NM_001384140.1 (MANE Select); coding-DNA position 3769, C replaced by T.
Protein change: p.Pro1257Ser; replaces proline 1257 with serine.
Molecular consequence: missense variant.
Genome position (GRCh38, 1-based): chr10:53,857,212, G>A on the plus strand (C>T on the coding strand, the complement: PCDH15 is on the minus strand). VCF-style: chr10-53857212-G-A. GRCh37 (hg19) VCF-style: chr10-55616972-G-A.
Other names: c.3784C>T, p.Pro1262Ser (NM_001142763.2, NM_001142771.2); c.3769C>T, p.Pro1257Ser (NM_001142764.2, NM_001142766.2, NM_001142770.3 and 4 more transcripts); c.3556C>T, p.Pro1186Ser (NM_001142765.2); c.3658C>T, p.Pro1220Ser (NM_001142767.2); c.3703C>T, p.Pro1235Ser (NM_001142768.2, NM_001142773.2, NM_001354404.2); c.3805C>T, p.Pro1269Ser (NM_001142769.4); c.3790C>T, p.Pro1264Ser (NM_001354411.2); short protein forms P1186S, P1264S, P1235S, P1257S, P1269S, P1220S, P1262S.
Identifiers: ClinVar variation 5003465 (VCV005003465.1).

ClinVar aggregate classification (germline): Uncertain significance (1 of 4 stars; one submission).

Conditions:
Usher syndrome type 1F (USH1F). Also called: USHER SYNDROME, TYPE IF. Identifiers: Orphanet 231169, Orphanet 886, MedGen C1865885, MONDO:0011186, OMIM 602083.

Submission:

Myriad Genetics, Inc.
Classification: Uncertain significance for Usher syndrome type 1F. Last evaluated: 2025-09-30. Review status: criteria provided, single submitter. Criteria: Myriad Autosomal Dominant, Autosomal Recessive and X-Linked Classification Criteria (2023). Collection method: clinical testing. Allele origin: unknown.
Comment: NM_033056.3(PCDH15):c.3769C>T(P1257S) is a missense variant classified as a variant of uncertain significance in the context of PCDH15-related disorders. P1257S has not been observed in cases with relevant disease. Relevant functional assessments of this variant are not available in the literature. P1257S has not been observed in referenced population frequency databases. In summary, there is insufficient evidence to classify NM_033056.3(PCDH15):c.3769C>T(P1257S) as pathogenic or benign. Please note: this variant was assessed in the context of healthy population screening.